The following is an entry in ClinVar:

NM_006096.4(NDRG1):c.311C>A (p.Ala104Asp)

Gene: NDRG1 (N-myc downstream regulated 1; minus strand). Cytogenetic location: 8q24.22.
Variant type: single nucleotide variant.
Coding change: c.311C>A on transcript NM_006096.4 (MANE Select); coding-DNA position 311, C replaced by A.
Protein change: p.Ala104Asp; replaces alanine 104 with aspartic acid.
Molecular consequence: missense variant.
Genome position (GRCh38, 1-based): chr8:133,262,062, G>T on the plus strand (C>A on the coding strand, the complement: NDRG1 is on the minus strand). VCF-style: chr8-133262062-G-T. GRCh37 (hg19) VCF-style: chr8-134274305-G-T.
Other names: c.311C>A, p.Ala104Asp (NM_001135242.2, NM_001374844.1, NM_001374845.1 and 1 more transcripts); c.113C>A, p.Ala38Asp (NM_001258432.2, NM_001374847.1); c.68C>A, p.Ala23Asp (NM_001258433.2); short protein forms A104D, A38D, A23D.
Identifiers: ClinVar variation 566768 (VCV000566768.4), dbSNP rs1346600957, ClinGen allele CA372256165.
Genomic context (GRCh38, chr8:133,262,062, plus strand): 5'-CCCAGTTTCCACCCTGTAGAGCTCATAGGGCAAGAGGCCTCTCACCCTGCGGGGAAGGAG[G>T]CTGCGCCGTCCTGCTGGCCAGGGGCGTCCACGTGGCAGACGGCAAAGTGCTGGGTGATCT-3'
Protein context (NP_006087.2, residues 94-114): VDAPGQQDGA[Ala104Asp]SFPAGYMYPS

ClinVar aggregate classification (germline): Uncertain significance. Review status: criteria provided, single submitter (1 of 4 stars). 2 submissions from 2 submitters: Uncertain significance (1). 1 of the submissions does not count toward it. Last evaluated 2021-08-25.

Conditions:
Charcot-Marie-Tooth disease type 4. Also called: Charcot-Marie-Tooth disease, type IV; Charcot-Marie-Tooth, Type 4. Identifiers: Orphanet 64749, MedGen C4082197, MONDO:0018995.
Charcot-Marie-Tooth disease type 4D. Also called: CHARCOT-MARIE-TOOTH DISEASE, DEMYELINATING, AUTOSOMAL RECESSIVE, TYPE 4D; NEUROPATHY, HEREDITARY MOTOR AND SENSORY, LOM TYPE; CHARCOT-MARIE-TOOTH DISEASE, DEMYELINATING, TYPE 4D; Charcot-Marie-Tooth Neuropathy Type 4D. Identifiers: Orphanet 99950, MedGen C1832334, MONDO:0011085, OMIM 601455.

Allele frequency attached by ClinVar (database versions not stated): gnomAD 0.00001; TOPMed 0.00001; gnomAD exomes 0.00002.
gnomAD v4.1: 9 of 1,613,162 alleles (0.00056%); highest among the groups gnomAD compares: Admixed American, 0.0067%; no homozygotes.

Submissions (2):

Labcorp Genetics (formerly Invitae), Labcorp
Classification: Uncertain significance for Charcot-Marie-Tooth disease type 4. Last evaluated: 2021-08-25. Review status: criteria provided, single submitter. Criteria: Invitae Variant Classification Sherloc (09022015). Collection method: clinical testing. Allele origin: germline.
Comment: This sequence change replaces alanine with aspartic acid at codon 104 of the NDRG1 protein (p.Ala104Asp). The alanine residue is weakly conserved and there is a moderate physicochemical difference between alanine and aspartic acid. This variant is not present in population databases (ExAC no frequency). This variant has not been reported in the literature in individuals affected with NDRG1-related conditions. Algorithms developed to predict the effect of missense changes on protein structure and function (SIFT, PolyPhen-2, Align-GVGD) all suggest that this variant is likely to be tolerated. In summary, the available evidence is currently insufficient to determine the role of this variant in disease. Therefore, it has been classified as a Variant of Uncertain Significance.

Natera, Inc.
Classification: Uncertain significance for Charcot-Marie-Tooth disease type 4D. Last evaluated: 2020-12-01. Review status: no assertion criteria provided. Collection method: clinical testing. Allele origin: germline. Not counted in ClinVar's aggregate classification.